The following is an entry in ClinVar:

NM_006929.5(SKIC2):c.979T>C (p.Ser327Pro)

Genes: SKIC2 (SKI2 subunit of superkiller complex; plus strand), LOC126859653 (CDK7 strongly-dependent group 2 enhancer GRCh37_chr6:31929542-31930741; plus strand). Cytogenetic location: 6p21.33.
Variant type: single nucleotide variant.
Coding change: c.979T>C on transcript NM_006929.5 (MANE Select); coding-DNA position 979, T replaced by C.
Protein change: p.Ser327Pro; replaces serine 327 with proline.
Molecular consequence: missense variant.
Genome position (GRCh38, 1-based): chr6:31,961,969, T>C. VCF-style: chr6-31961969-T-C. GRCh37 (hg19) VCF-style: chr6-31929746-T-C.
Other names: short protein forms S327P.
Identifiers: ClinVar variation 1377534 (VCV001377534.3), dbSNP rs1363136129, ClinGen allele CA363448418.

ClinVar aggregate classification (germline): Uncertain significance (1 of 4 stars; one submission).

Allele frequency attached by ClinVar (database versions not stated): gnomAD exomes below 0.00001.
gnomAD v4.1: 2 of 1,612,964 alleles (0.00012%); highest among the groups gnomAD compares: Non-Finnish European, 0.00017%; no homozygotes.

Submission:

Labcorp Genetics (formerly Invitae), Labcorp
Classification: Uncertain significance. Last evaluated: 2022-04-03. Review status: criteria provided, single submitter. Criteria: Invitae Variant Classification Sherloc (09022015). Collection method: clinical testing. Allele origin: germline.
Comment: This sequence change replaces serine, which is neutral and polar, with proline, which is neutral and non-polar, at codon 327 of the SKIV2L protein (p.Ser327Pro). This variant is present in population databases (no rsID available, gnomAD 0.0009%). This variant has not been reported in the literature in individuals affected with SKIV2L-related conditions. Algorithms developed to predict the effect of missense changes on protein structure and function are either unavailable or do not agree on the potential impact of this missense change (SIFT: "Tolerated"; PolyPhen-2: "Probably Damaging"; Align-GVGD: "Class C0"). In summary, the available evidence is currently insufficient to determine the role of this variant in disease. Therefore, it has been classified as a Variant of Uncertain Significance.